The following is an entry in ClinVar:

ClinVar aggregate classification (germline): Benign/Likely benign. Review status: criteria provided, multiple submitters, no conflicts (2 of 4 stars). 8 submissions from 8 submitters: Benign (4); Likely benign (3). 1 of the submissions does not count toward it. Last evaluated 2026-02-04.

Conditions:
Abetalipoproteinaemia (ABL). Also called: MTP DEFICIENCY; Abetalipoproteinemia; Abetalipoproteinemia neuropathy; Apolipoprotein B deficiency; Congenital betalipoprotein deficiency syndrome. Identifiers: Orphanet 14, MedGen C0000744, MONDO:0008692, OMIM 200100, HP:0008181.

Allele frequency attached by ClinVar (database versions not stated): gnomAD exomes 0.04690 and 0.05922; ExAC 0.06057; gnomAD 0.08613 and 0.08726; ESP Exome Variant Server 0.08990; TOPMed 0.09372; 1000 Genomes Project 30x 0.11790; 1000 Genomes Project 0.11821.
gnomAD v4.1: 82,173 of 1,613,268 alleles (5.1%); highest among the groups gnomAD compares: East Asian, 21%; 3,733 homozygotes.

Submissions (8):

Labcorp Genetics (formerly Invitae), Labcorp
Classification: Benign. Last evaluated: 2026-02-04. Review status: criteria provided, single submitter. Criteria: Invitae Variant Classification Sherloc (09022015). Collection method: clinical testing. Allele origin: germline.

Blueprint Genetics
Classification: Likely benign. Last evaluated: 2024-11-26. Review status: criteria provided, single submitter. Criteria: ACMG Guidelines, 2015. Collection method: clinical testing. Allele origin: germline.

Women's Health and Genetics/Laboratory Corporation of America, LabCorp
Classification: Likely benign. Last evaluated: 2019-09-19. Review status: criteria provided, single submitter. Criteria: LabCorp Variant Classification Summary - May 2015. Collection method: clinical testing. Allele origin: germline.

GeneDx
Classification: Benign. Last evaluated: 2018-12-13. Review status: criteria provided, single submitter. Criteria: GeneDx Variant Classification Process June 2021. Collection method: clinical testing. Allele origin: germline. Affected: yes.
Comment: This variant is associated with the following publications: (PMID: 28008009)

Illumina Laboratory Services, Illumina
Classification: Benign for Abetalipoproteinaemia. Last evaluated: 2018-01-12. Review status: criteria provided, single submitter. Criteria: ICSL Variant Classification Criteria 13 December 2019. Collection method: clinical testing. Allele origin: germline.
Comment: This variant was observed in the ICSL laboratory as part of a predisposition screen in an ostensibly healthy population. It had not been previously curated by ICSL or reported in the Human Gene Mutation Database (HGMD: prior to June 1st, 2018), and was therefore a candidate for classification through an automated scoring system. Utilizing variant allele frequency, disease prevalence and penetrance estimates, and inheritance mode, an automated score was calculated to assess if this variant is too frequent to cause the disease. Based on the score and internal cut-off values, a variant classified as benign is not then subjected to further curation. The score for this variant resulted in a classification of benign for this disease.

Mayo Clinic Laboratories, Mayo Clinic
Classification: Benign. Last evaluated: 2017-07-25. Review status: criteria provided, single submitter. Criteria: ACMG Guidelines, 2015. Collection method: clinical testing. Allele origin: germline. Observed: 164 variant alleles.

Breakthrough Genomics
Classification: Likely benign. Review status: criteria provided, single submitter. Criteria: ACMG Guidelines, 2015. Collection method: not provided. Allele origin: germline. Inheritance: Autosomal recessive inheritance. Affected: yes.

Natera, Inc.
Classification: Benign for Abetalipoproteinemia. Last evaluated: 2019-11-21. Review status: no assertion criteria provided. Collection method: clinical testing. Allele origin: germline. Not counted in ClinVar's aggregate classification.

NM_001386140.1(MTTP):c.294G>C (p.Glu98Asp)

Gene: MTTP (microsomal triglyceride transfer protein; plus strand). Cytogenetic location: 4q23.
Variant type: single nucleotide variant.
Coding change: c.294G>C on transcript NM_001386140.1 (MANE Select); coding-DNA position 294, G replaced by C.
Protein change: p.Glu98Asp; replaces glutamic acid 98 with aspartic acid.
Molecular consequence: missense variant.
Genome position (GRCh38, 1-based): chr4:99,583,418, G>C. VCF-style: chr4-99583418-G-C. GRCh37 (hg19) VCF-style: chr4-100504575-G-C.
Other names: c.294G>C, p.Glu98Asp (NM_000253.4); c.45G>C, p.Glu15Asp (NM_001300785.2); short protein forms E98D, E15D.
Identifiers: ClinVar variation 347021 (VCV000347021.22), dbSNP rs2306986, ClinGen allele CA3021799.